The following is an entry in ClinVar:

ClinVar aggregate classification (germline): Uncertain significance. Review status: criteria provided, multiple submitters, no conflicts (2 of 4 stars). 2 submissions from 2 submitters: Uncertain significance (2). Last evaluated 2024-08-08.

Conditions:
Seizures, benign familial infantile, 3 (BFIS3). Also called: CONVULSIONS, BENIGN FAMILIAL INFANTILE, 3; Familial neonatal seizures. Identifiers: Orphanet 140927, Orphanet 306, MedGen C1843140, MONDO:0011904, OMIM 607745.
Developmental and epileptic encephalopathy, 11 (DEE11). Also called: Early infantile epileptic encephalopathy 11. Identifiers: Orphanet 1934, MedGen C3150987, MONDO:0013388, OMIM 613721.

Allele frequency attached by ClinVar (database versions not stated): gnomAD 0.00001; TOPMed 0.00001.
gnomAD v4.1: 2 of 1,613,774 alleles (0.00012%); highest among the groups gnomAD compares: African/African-American, 0.0027%; no homozygotes.

Submissions (2):

Labcorp Genetics (formerly Invitae), Labcorp
Classification: Uncertain significance for Seizures, benign familial infantile, 3; Developmental and epileptic encephalopathy, 11. Last evaluated: 2024-08-08. Review status: criteria provided, single submitter. Criteria: Invitae Variant Classification Sherloc (09022015). Collection method: clinical testing. Allele origin: germline.
Comment: This sequence change replaces glycine, which is neutral and non-polar, with serine, which is neutral and polar, at codon 828 of the SCN2A protein (p.Gly828Ser). This variant is present in population databases (no rsID available, gnomAD 0.01%). This missense change has been observed in individual(s) with clinical features of SCN2A-related condition (Invitae). Advanced modeling of protein sequence and biophysical properties (such as structural, functional, and spatial information, amino acid conservation, physicochemical variation, residue mobility, and thermodynamic stability) performed at Invitae indicates that this missense variant is not expected to disrupt SCN2A protein function with a negative predictive value of 95%. This variant disrupts the p.Gly828 amino acid residue in SCN2A. Other variant(s) that disrupt this residue have been observed in individuals with SCN2A-related conditions (PMID: 28379373; Invitae), which suggests that this may be a clinically significant amino acid residue. In summary, the available evidence is currently insufficient to determine the role of this variant in disease. Therefore, it has been classified as a Variant of Uncertain Significance.

GeneDx
Classification: Uncertain significance. Last evaluated: 2024-05-31. Review status: criteria provided, single submitter. Criteria: GeneDx Variant Classification Process June 2021. Collection method: clinical testing. Allele origin: germline. Affected: yes.
Comment: In silico analysis supports that this missense variant has a deleterious effect on protein structure/function; This substitution is predicted to be within the transmembrane segment S3 of the second homologous domain; Has not been previously published as pathogenic or benign to our knowledge; This variant is associated with the following publications: (PMID: 28379373)

Literature cited by the submitters: PubMed 28379373 (cited by Labcorp Genetics (formerly Invitae), Labcorp).

NM_001040142.2(SCN2A):c.2482G>A (p.Gly828Ser)

Gene: SCN2A (sodium voltage-gated channel alpha subunit 2; plus strand). Cytogenetic location: 2q24.3.
Variant type: single nucleotide variant.
Coding change: c.2482G>A on transcript NM_001040142.2 (MANE Select); coding-DNA position 2482, G replaced by A.
Protein change: p.Gly828Ser; replaces glycine 828 with serine.
Molecular consequence: missense variant.
Genome position (GRCh38, 1-based): chr2:165,342,389, G>A. VCF-style: chr2-165342389-G-A. GRCh37 (hg19) VCF-style: chr2-166198899-G-A.
Other names: c.2482G>A, p.Gly828Ser (NM_001371247.1, NM_021007.3, NM_001040143.2 and 1 more transcripts); c.2482G>A (NM_021007.2); short protein forms G828S.
Identifiers: ClinVar variation 2932103 (VCV002932103.4), dbSNP rs1323120935, ClinGen allele CA349012698.